The following is an entry in ClinVar:

NM_080473.5(GATA5):c.30C>A (p.Ser10Arg)

Gene: GATA5 (GATA binding protein 5; minus strand). Cytogenetic location: 20q13.33.
Variant type: single nucleotide variant.
Coding change: c.30C>A on transcript NM_080473.5 (MANE Select); coding-DNA position 30, C replaced by A.
Protein change: p.Ser10Arg; replaces serine 10 with arginine.
Molecular consequence: missense variant.
Genome position (GRCh38, 1-based): chr20:62,475,492, G>T on the plus strand (C>A on the coding strand, the complement: GATA5 is on the minus strand). VCF-style: chr20-62475492-G-T. GRCh37 (hg19) VCF-style: chr20-61050548-G-T.
Other names: short protein forms S10R.
Identifiers: ClinVar variation 2105257 (VCV002105257.4), dbSNP rs782819196, ClinGen allele CA409558050.

ClinVar aggregate classification (germline): Uncertain significance (1 of 4 stars; one submission).

Allele frequency attached by ClinVar (database versions not stated): gnomAD 0.00001.
gnomAD v4.1: 8 of 1,321,558 alleles (0.00061%); highest among the groups gnomAD compares: Admixed American, 0.0034%; no homozygotes.

Submission:

Labcorp Genetics (formerly Invitae), Labcorp
Classification: Uncertain significance. Last evaluated: 2024-04-09. Review status: criteria provided, single submitter. Criteria: Invitae Variant Classification Sherloc (09022015). Collection method: clinical testing. Allele origin: germline.
Comment: This sequence change replaces serine, which is neutral and polar, with arginine, which is basic and polar, at codon 10 of the GATA5 protein (p.Ser10Arg). This variant is not present in population databases (gnomAD no frequency). This variant has not been reported in the literature in individuals affected with GATA5-related conditions. ClinVar contains an entry for this variant (Variation ID: 2105257). An algorithm developed to predict the effect of missense changes on protein structure and function (PolyPhen-2) suggests that this variant is likely to be disruptive. In summary, the available evidence is currently insufficient to determine the role of this variant in disease. Therefore, it has been classified as a Variant of Uncertain Significance.